The following is an entry in ClinVar:

ClinVar aggregate classification (germline): Likely pathogenic (1 of 4 stars; one submission).

Conditions:
Histiocytic medullary reticulosis. Also called: SEVERE COMBINED IMMUNODEFICIENCY WITH HYPEREOSINOPHILIA; Omenn syndrome. Identifiers: Orphanet 39041, MedGen C2700553, MONDO:0011338, OMIM 603554.

Submission:

Neuberg Centre For Genomic Medicine, NCGM
Classification: Likely pathogenic for Histiocytic medullary reticulosis. Review status: criteria provided, single submitter. Criteria: ACMG Guidelines, 2015. Collection method: clinical testing. Allele origin: germline. Inheritance: Autosomal recessive inheritance. Affected: yes.
Comment: The splice site c.679-1G>A variant in the DCLRE1C gene has not been reported previously as a pathogenic variant nor as a benign variant, to our knowledge. The variant is absent in gnomAD. The variant affects AG acceptor splice site upstream to exon 8. The spliceAI tool predicts the variant to be damaging. Loss of function variants have been previously reported to be disease causing. For these reasons, this variant has been classified as Likely Pathogenic.

NM_001033855.3(DCLRE1C):c.679-1G>A

Gene: DCLRE1C (DNA cross-link repair 1C; minus strand). Cytogenetic location: 10p13.
Variant type: single nucleotide variant.
Coding change: c.679-1G>A on transcript NM_001033855.3 (MANE Select); the canonical splice acceptor site of the intron before coding-DNA position 679, G replaced by A.
Molecular consequence: splice acceptor variant.
Genome position (GRCh38, 1-based): chr10:14,932,956, C>T on the plus strand (G>A on the coding strand, the complement: DCLRE1C is on the minus strand). VCF-style: chr10-14932956-C-T. GRCh37 (hg19) VCF-style: chr10-14974955-C-T.
Other names: c.334-1G>A (NM_001350966.2, NM_001289078.2, NM_001289076.2 and 1 more transcripts); c.679-1G>A (NM_001350965.2); c.319-1G>A (NM_001350967.2, NM_001289077.2, NM_001289079.2 and 2 more transcripts).
Identifiers: ClinVar variation 3242198 (VCV003242198.1), dbSNP rs2130918080.